The following is an entry in ClinVar:

ClinVar aggregate classification (germline): Likely benign (0 of 4 stars; one submission).

Conditions:
NRP2-related disorder. Also called: NRP2-related condition.

Submission:

PreventionGenetics, part of Exact Sciences
Classification: Likely benign for NRP2-related condition. Last evaluated: 2023-12-04. Review status: no assertion criteria provided. Collection method: clinical testing. Allele origin: germline.
Comment: This variant is classified as likely benign based on ACMG/AMP sequence variant interpretation guidelines (Richards et al. 2015 PMID: 25741868, with internal and published modifications).

NM_003872.3(NRP2):c.702A>G (p.Thr234=)

Gene: NRP2 (neuropilin 2; plus strand). Cytogenetic location: 2q33.3.
Variant type: single nucleotide variant.
Coding change: c.702A>G on transcript NM_003872.3 (MANE Select); coding-DNA position 702, A replaced by G.
Protein change: p.Thr234=; no amino-acid change (threonine 234 retained).
Molecular consequence: synonymous variant.
Genome position (GRCh38, 1-based): chr2:205,723,822, A>G. VCF-style: chr2-205723822-A-G. GRCh37 (hg19) VCF-style: chr2-206588546-A-G.
Other names: c.702A>G, p.Thr234= (NM_018534.4, NM_201264.2, NM_201266.2 and 2 more transcripts).
Identifiers: ClinVar variation 3348182 (VCV003348182.1).